The following is an entry in ClinVar:

NM_004082.5(DCTN1):c.2629-7C>A

Gene: DCTN1 (dynactin subunit 1; minus strand). Cytogenetic location: 2p13.1.
Variant type: single nucleotide variant.
Coding change: c.2629-7C>A on transcript NM_004082.5 (MANE Select); 7 bases into the intron before coding-DNA position 2629, C replaced by A.
Molecular consequence: intron variant. On other transcripts: non-coding transcript variant (1).
Genome position (GRCh38, 1-based): chr2:74,366,382, G>T on the plus strand (C>A on the coding strand, the complement: DCTN1 is on the minus strand). VCF-style: chr2-74366382-G-T. GRCh37 (hg19) VCF-style: chr2-74593509-G-T.
Other names: c.2578-7C>A (NM_001378991.1); c.2569-7C>A (NM_001135040.3); c.2608-7C>A (NM_001190837.2); c.2227-7C>A (NM_001135041.3, NM_023019.4); c.2518-7C>A (NM_001190836.2); c.2560-7C>A (NM_001378992.1).
Identifiers: ClinVar variation 576507 (VCV000576507.9), dbSNP rs1278207608, ClinGen allele CA534126841.

ClinVar aggregate classification (germline): Uncertain significance (1 of 4 stars; one submission).

Conditions:
Amyotrophic lateral sclerosis type 1 (ALS1). Also called: AMYOTROPHIC LATERAL SCLEROSIS 1, FAMILIAL. Identifiers: Orphanet 803, MedGen C1862939, MONDO:0007103, OMIM 105400.
Perry syndrome. Also called: PARKINSONISM WITH ALVEOLAR HYPOVENTILATION AND MENTAL DEPRESSION. Identifiers: Orphanet 178509, MedGen C1868594, MONDO:0008201, OMIM 168605.
Neuronopathy, distal hereditary motor, type 7B. Also called: Distal Hereditary Motor Neuronopathy Type 7B (dHMN7B); NEURONOPATHY, DISTAL HEREDITARY MOTOR, AUTOSOMAL DOMINANT 14; NEURONOPATHY, DISTAL HEREDITARY MOTOR, HARDING TYPE VIIB; NEUROPATHY, DISTAL HEREDITARY MOTOR, HARDING TYPE VIIB; NEUROPATHY, DISTAL HEREDITARY MOTOR, WITH VOCAL CORD PARALYSIS, HARDING TYPE VIIB; HMN VIIB. Identifiers: Orphanet 139589, MedGen C1843315, MONDO:0011879, OMIM 607641.

Allele frequency attached by ClinVar (database versions not stated): gnomAD exomes below 0.00001 and 0.00001.
gnomAD v4.1: 13 of 1,614,186 alleles (0.00081%); highest among the groups gnomAD compares: Non-Finnish European, 0.001%; no homozygotes.

Submission:

Labcorp Genetics (formerly Invitae), Labcorp
Classification: Uncertain significance for Amyotrophic lateral sclerosis type 1; Neuronopathy, distal hereditary motor, type 7B; Perry syndrome. Last evaluated: 2022-10-19. Review status: criteria provided, single submitter. Criteria: Invitae Variant Classification Sherloc (09022015). Collection method: clinical testing. Allele origin: germline.
Comment: Algorithms developed to predict the effect of sequence changes on RNA splicing suggest that this variant may create or strengthen a splice site. In summary, the available evidence is currently insufficient to determine the role of this variant in disease. Therefore, it has been classified as a Variant of Uncertain Significance. ClinVar contains an entry for this variant (Variation ID: 576507). This sequence change falls in intron 22 of the DCTN1 gene. It does not directly change the encoded amino acid sequence of the DCTN1 protein. This variant is present in population databases (no rsID available, gnomAD 0.0009%). This variant has not been reported in the literature in individuals affected with DCTN1-related conditions.